The following is an entry in ClinVar:

ClinVar aggregate classification (germline): Pathogenic (1 of 4 stars; one submission).

Conditions:
ALG6-congenital disorder of glycosylation 1C (CDG1C). Also called: Congenital disorder of glycosylation, type Ic; CDG Ic; CARBOHYDRATE-DEFICIENT GLYCOPROTEIN SYNDROME, TYPE I, WITH DEFICIENT GLYCOSYLATION OF DOLICHOL-LINKED OLIGOSACCHARIDE; CARBOHYDRATE-DEFICIENT GLYCOPROTEIN SYNDROME, TYPE V; Congenital disorder of glycosylation type 1C. Identifiers: Orphanet 79320, MedGen C2930997, MONDO:0011291, OMIM 603147.

Allele frequency attached by ClinVar (database versions not stated): TOPMed below 0.00001.

Submission:

Labcorp Genetics (formerly Invitae), Labcorp
Classification: Pathogenic for ALG6-congenital disorder of glycosylation 1C. Last evaluated: 2026-01-13. Review status: criteria provided, single submitter. Criteria: Invitae Variant Classification Sherloc (09022015). Collection method: clinical testing. Allele origin: germline.
Comment: This sequence change creates a premature translational stop signal (p.Cys133*) in the ALG6 gene. It is expected to result in an absent or disrupted protein product. Loss-of-function variants in ALG6 are known to be pathogenic (PMID: 19862844). This variant is not present in population databases (gnomAD no frequency). This variant has not been reported in the literature in individuals affected with ALG6-related conditions. ClinVar contains an entry for this variant (Variation ID: 2190114). For these reasons, this variant has been classified as Pathogenic.

Literature cited by the submitters: PubMed 19862844.

NM_013339.4(ALG6):c.399T>A (p.Cys133Ter)

Gene: ALG6 (ALG6 alpha-1,3-glucosyltransferase; plus strand). Cytogenetic location: 1p31.3.
Variant type: single nucleotide variant.
Coding change: c.399T>A on transcript NM_013339.4 (MANE Select); coding-DNA position 399, T replaced by A.
Protein change: p.Cys133Ter; replaces cysteine 133 with a stop codon.
Molecular consequence: nonsense.
Genome position (GRCh38, 1-based): chr1:63,406,369, T>A. VCF-style: chr1-63406369-T-A. GRCh37 (hg19) VCF-style: chr1-63872040-T-A.
Other names: short protein forms C133*.
Identifiers: ClinVar variation 2190114 (VCV002190114.5), dbSNP rs1644489808, ClinGen allele CA340634574.